The following is an entry in ClinVar:

ClinVar aggregate classification (germline): Uncertain significance. Review status: criteria provided, multiple submitters, no conflicts (2 of 4 stars). 2 submissions from 2 submitters: Uncertain significance (2). Last evaluated 2024-08-21.

gnomAD v4.1: 14 of 1,613,940 alleles (0.00087%); highest among the groups gnomAD compares: Admixed American, 0.023%; no homozygotes.

Submissions (2):

Labcorp Genetics (formerly Invitae), Labcorp
Classification: Uncertain significance. Last evaluated: 2024-08-21. Review status: criteria provided, single submitter. Criteria: Invitae Variant Classification Sherloc (09022015). Collection method: clinical testing. Allele origin: germline.
Comment: This sequence change replaces arginine, which is basic and polar, with leucine, which is neutral and non-polar, at codon 159 of the NPAT protein (p.Arg159Leu). This variant is present in population databases (rs369929633, gnomAD 0.02%). This variant has not been reported in the literature in individuals affected with NPAT-related conditions. An algorithm developed to predict the effect of missense changes on protein structure and function (PolyPhen-2) suggests that this variant is likely to be disruptive. In summary, the available evidence is currently insufficient to determine the role of this variant in disease. Therefore, it has been classified as a Variant of Uncertain Significance.

Ambry Genetics
Classification: Uncertain significance. Last evaluated: 2021-10-22. Review status: criteria provided, single submitter. Criteria: Ambry Variant Classification Scheme 2023. Collection method: clinical testing. Allele origin: germline.

NM_002519.3(NPAT):c.476G>T (p.Arg159Leu)

Gene: NPAT (nuclear protein, coactivator of histone transcription; minus strand). Cytogenetic location: 11q22.3.
Variant type: single nucleotide variant.
Coding change: c.476G>T on transcript NM_002519.3 (MANE Select); coding-DNA position 476, G replaced by T.
Protein change: p.Arg159Leu; replaces arginine 159 with leucine.
Molecular consequence: missense variant.
Genome position (GRCh38, 1-based): chr11:108,189,186, C>A on the plus strand (G>T on the coding strand, the complement: NPAT is on the minus strand). VCF-style: chr11-108189186-C-A. GRCh37 (hg19) VCF-style: chr11-108059913-C-A.
Other names: c.476G>T, p.Arg159Leu (NM_001321307.1); short protein forms R159L.
Identifiers: ClinVar variation 3201552 (VCV003201552.3), dbSNP rs369929633, ClinGen allele CA6264288.